The following is an entry in ClinVar:

NM_002471.4(MYH6):c.2189T>C (p.Val730Ala)

Gene: MYH6 (myosin heavy chain 6; minus strand). Cytogenetic location: 14q11.2.
Variant type: single nucleotide variant.
Coding change: c.2189T>C on transcript NM_002471.4 (MANE Select); coding-DNA position 2189, T replaced by C.
Protein change: p.Val730Ala; replaces valine 730 with alanine.
Molecular consequence: missense variant.
Genome position (GRCh38, 1-based): chr14:23,396,797, A>G on the plus strand (T>C on the coding strand, the complement: MYH6 is on the minus strand). VCF-style: chr14-23396797-A-G. GRCh37 (hg19) VCF-style: chr14-23866006-A-G.
Other names: short protein forms V730A.
Identifiers: ClinVar variation 656980 (VCV000656980.11), dbSNP rs763963623, ClinGen allele CA7115550.
Genomic context (GRCh38, chr14:23,396,797, plus strand): 5'-GAGCTGAGCAGCTTCTCTGTCCCCTTCCTGCTATCAATGAACTGTCCCTCAGGGATGGCC[A>G]CTGGGTTCAGGATGCGATACCTGAGGAGGGAAGTGTCCAGAGTCACCCATGCTCTGCAGT-3'
Protein context (NP_002462.2, residues 720-740): FRQRYRILNP[Val730Ala]AIPEGQFIDS

ClinVar aggregate classification (germline): Conflicting classifications of pathogenicity. Review status: criteria provided, conflicting classifications (1 of 4 stars). 4 submissions from 4 submitters: Uncertain significance (2); Likely benign (2). Last evaluated 2025-11-26.

Conditions:
Cardiovascular phenotype. Identifiers: MedGen CN230736.
Hypertrophic cardiomyopathy 14. Identifiers: MedGen C2750467, MONDO:0013197, OMIM 613251.
Sick sinus syndrome 3, susceptibility to (SSS3). Identifiers: Orphanet 166282, MedGen C3279791, MONDO:0013568, OMIM 614090.
Hypertrophic cardiomyopathy 1 (CMH1). Also called: MYH7-Related Familial Hypertrophic Cardiomyopathy; Familial hypertrophic cardiomyopathy 1. Identifiers: MedGen C3495498, MONDO:0008647, OMIM 192600.
Atrial septal defect 3 (ASD3). Identifiers: Orphanet 1478, MedGen C3279790, MONDO:0013567, OMIM 614089.
Dilated cardiomyopathy 1EE (CMD1EE). Identifiers: Orphanet 154, MedGen C2750466, MONDO:0013198, OMIM 613252.

Allele frequency attached by ClinVar (database versions not stated): ExAC 0.00001; gnomAD exomes 0.00001; gnomAD 0.00002; TOPMed 0.00003.
gnomAD v4.1: 30 of 1,613,918 alleles (0.0019%); highest among the groups gnomAD compares: Admixed American, 0.0033%; no homozygotes.

Submissions (4):

Labcorp Genetics (formerly Invitae), Labcorp
Classification: Uncertain significance for Hypertrophic cardiomyopathy 14. Last evaluated: 2025-11-26. Review status: criteria provided, single submitter. Criteria: Invitae Variant Classification Sherloc (09022015). Collection method: clinical testing. Allele origin: germline.
Comment: This sequence change replaces valine, which is neutral and non-polar, with alanine, which is neutral and non-polar, at codon 730 of the MYH6 protein (p.Val730Ala). This variant is present in population databases (rs763963623, gnomAD 0.003%). This variant has not been reported in the literature in individuals affected with MYH6-related conditions. ClinVar contains an entry for this variant (Variation ID: 656980). An algorithm developed to predict the effect of missense changes on protein structure and function outputs the following: PolyPhen-2: "Benign". The alanine amino acid residue is found in multiple mammalian species, which suggests that this missense change does not adversely affect protein function. In summary, the available evidence is currently insufficient to determine the role of this variant in disease. Therefore, it has been classified as a Variant of Uncertain Significance.

Ambry Genetics
Classification: Likely benign for Cardiovascular phenotype. Last evaluated: 2025-06-10. Review status: criteria provided, single submitter. Criteria: Ambry Variant Classification Scheme 2023. Collection method: clinical testing. Allele origin: germline.

Blueprint Genetics
Classification: Likely benign. Last evaluated: 2023-08-28. Review status: criteria provided, single submitter. Criteria: ACMG Guidelines, 2015. Collection method: clinical testing. Allele origin: germline.

Fulgent Genetics
Classification: Uncertain significance for Hypertrophic cardiomyopathy 1; Hypertrophic cardiomyopathy 14; Dilated cardiomyopathy 1EE; Atrial septal defect 3; Sick sinus syndrome 3, susceptibility to. Last evaluated: 2021-09-15. Review status: criteria provided, single submitter. Criteria: ACMG Guidelines, 2015. Collection method: clinical testing. Allele origin: unknown.